The following is an entry in ClinVar:

ClinVar aggregate classification (germline): Benign/Likely benign. Review status: criteria provided, multiple submitters, no conflicts (2 of 4 stars). 2 submissions from 2 submitters: Benign (1); Likely benign (1). Last evaluated 2019-12-31.

Conditions:
Long QT syndrome (LQTS). Identifiers: MedGen C0023976, MeSH D008133, MONDO:0002442. Disease mechanism: loss of function. Inheritance: Various modes of inheritance.

Allele frequency attached by ClinVar (database versions not stated): 1000 Genomes Project 30x 0.00234; 1000 Genomes Project 0.00240; TOPMed 0.00592; gnomAD 0.00652; gnomAD exomes 0.00699 and 0.00859; ESP Exome Variant Server 0.00717; ExAC 0.00887.
gnomAD v4.1: 12,968 of 1,550,652 alleles (0.84%); highest among the groups gnomAD compares: Non-Finnish European, 0.96%; 79 homozygotes.

Submissions (2):

Labcorp Genetics (formerly Invitae), Labcorp
Classification: Benign for Long QT syndrome. Last evaluated: 2019-12-31. Review status: criteria provided, single submitter. Criteria: Invitae Variant Classification Sherloc (09022015). Collection method: clinical testing. Allele origin: germline.

GeneDx
Classification: Likely benign. Last evaluated: 2018-06-14. Review status: criteria provided, single submitter. Criteria: GeneDx Variant Classification (06012015). Collection method: clinical testing. Allele origin: germline. Affected: yes.
Comment: This variant is considered likely benign or benign based on one or more of the following criteria: it is a conservative change, it occurs at a poorly conserved position in the protein, it is predicted to be benign by multiple in silico algorithms, and/or has population frequency not consistent with disease.

NM_000719.7(CACNA1C):c.758-38G>A

Gene: CACNA1C (calcium voltage-gated channel subunit alpha1 C; plus strand). Cytogenetic location: 12p13.33.
Variant type: single nucleotide variant.
Coding change: c.758-38G>A on transcript NM_000719.7 (MANE Select); 38 bases into the intron before coding-DNA position 758, G replaced by A.
Molecular consequence: intron variant.
Genome position (GRCh38, 1-based): chr12:2,486,066, G>A. VCF-style: chr12-2486066-G-A. GRCh37 (hg19) VCF-style: chr12-2595232-G-A.
Other names: c.758-38G>A (NM_001167624.3, NM_001167623.2, NM_001167625.2 and 19 more transcripts).
Identifiers: ClinVar variation 674216 (VCV000674216.5), dbSNP rs148596266, ClinGen allele CA6388530.